The following is an entry in ClinVar:

NM_032380.5(GFM2):c.2308A>G (p.Thr770Ala)

Gene: GFM2 (GTP dependent ribosome recycling factor mitochondrial 2; minus strand). Cytogenetic location: 5q13.3.
Variant type: single nucleotide variant.
Coding change: c.2308A>G on transcript NM_032380.5 (MANE Select); coding-DNA position 2308, A replaced by G.
Protein change: p.Thr770Ala; replaces threonine 770 with alanine.
Molecular consequence: missense variant. On other transcripts: non-coding transcript variant (1).
Genome position (GRCh38, 1-based): chr5:74,721,687, T>C on the plus strand (A>G on the coding strand, the complement: GFM2 is on the minus strand). VCF-style: chr5-74721687-T-C. GRCh37 (hg19) VCF-style: chr5-74017512-T-C.
Other names: c.2167A>G, p.Thr723Ala (NM_170691.3); c.2308A>G (NM_032380.3); c.2404A>G, p.Thr802Ala (NM_001281302.2); short protein forms T770A, T723A, T802A.
Identifiers: ClinVar variation 1946531 (VCV001946531.6), dbSNP rs1162838536, ClinGen allele CA360072410.

ClinVar aggregate classification (germline): Uncertain significance. Review status: criteria provided, multiple submitters, no conflicts (2 of 4 stars). 2 submissions from 2 submitters: Uncertain significance (2). Last evaluated 2025-04-29.

Conditions:
Inborn genetic diseases. Identifiers: MedGen C0950123, MeSH D030342.

Allele frequency attached by ClinVar (database versions not stated): TOPMed below 0.00001; gnomAD 0.00001; gnomAD exomes 0.00001.
gnomAD v4.1: 4 of 1,613,572 alleles (0.00025%); highest among the groups gnomAD compares: Admixed American, 0.0067%; no homozygotes.

Submissions (2):

Ambry Genetics
Classification: Uncertain significance for Inborn genetic diseases. Last evaluated: 2025-04-29. Review status: criteria provided, single submitter. Criteria: Ambry Variant Classification Scheme 2023. Collection method: clinical testing. Allele origin: germline.

Labcorp Genetics (formerly Invitae), Labcorp
Classification: Uncertain significance. Last evaluated: 2024-02-23. Review status: criteria provided, single submitter. Criteria: Invitae Variant Classification Sherloc (09022015). Collection method: clinical testing. Allele origin: germline.
Comment: This sequence change replaces threonine, which is neutral and polar, with alanine, which is neutral and non-polar, at codon 770 of the GFM2 protein (p.Thr770Ala). This variant is present in population databases (no rsID available, gnomAD 0.006%). This variant has not been reported in the literature in individuals affected with GFM2-related conditions. ClinVar contains an entry for this variant (Variation ID: 1946531). Advanced modeling of protein sequence and biophysical properties (such as structural, functional, and spatial information, amino acid conservation, physicochemical variation, residue mobility, and thermodynamic stability) performed at Invitae indicates that this missense variant is not expected to disrupt GFM2 protein function with a negative predictive value of 80%. In summary, the available evidence is currently insufficient to determine the role of this variant in disease. Therefore, it has been classified as a Variant of Uncertain Significance.